The following is an entry in ClinVar:

ClinVar aggregate classification (germline): Uncertain significance (1 of 4 stars; one submission).

Conditions:
Early Myoclonic Encephalopathy. Identifiers: MedGen C0270855.

Submission:

Labcorp Genetics (formerly Invitae), Labcorp
Classification: Uncertain significance for Early Myoclonic Encephalopathy. Last evaluated: 2025-02-04. Review status: criteria provided, single submitter. Criteria: Invitae Variant Classification Sherloc (09022015). Collection method: clinical testing. Allele origin: germline.
Comment: This sequence change replaces glutamic acid, which is acidic and polar, with glycine, which is neutral and non-polar, at codon 2137 of the JMJD1C protein (p.Glu2137Gly). This variant is not present in population databases (gnomAD no frequency). This variant has not been reported in the literature in individuals affected with JMJD1C-related conditions. Invitae Evidence Modeling of protein sequence and biophysical properties (such as structural, functional, and spatial information, amino acid conservation, physicochemical variation, residue mobility, and thermodynamic stability) indicates that this missense variant is not expected to disrupt JMJD1C protein function with a negative predictive value of 80%. In summary, the available evidence is currently insufficient to determine the role of this variant in disease. Therefore, it has been classified as a Variant of Uncertain Significance.

NM_032776.3(JMJD1C):c.6410A>G (p.Glu2137Gly)

Gene: JMJD1C (jumonji domain containing 1C; minus strand). Cytogenetic location: 10q21.3.
Variant type: single nucleotide variant.
Coding change: c.6410A>G on transcript NM_032776.3 (MANE Select); coding-DNA position 6410, A replaced by G.
Protein change: p.Glu2137Gly; replaces glutamic acid 2137 with glycine.
Molecular consequence: missense variant. On other transcripts: non-coding transcript variant (1).
Genome position (GRCh38, 1-based): chr10:63,189,328, T>C on the plus strand (A>G on the coding strand, the complement: JMJD1C is on the minus strand). VCF-style: chr10-63189328-T-C. GRCh37 (hg19) VCF-style: chr10-64949088-T-C.
Other names: c.5864A>G, p.Glu1955Gly (NM_001282948.2, NM_001318154.2); c.5546A>G, p.Glu1849Gly (NM_001318153.2); c.6296A>G, p.Glu2099Gly (NM_001322252.2); c.5753A>G, p.Glu1918Gly (NM_001322254.2, NM_001322258.2); short protein forms E1955G, E1918G, E1849G, E2099G, E2137G.
Identifiers: ClinVar variation 3665345 (VCV003665345.2).
Genomic context (GRCh38, chr10:63,189,328, plus strand): 5'-ATATCACTGTATAATTTATTATTTTCATCCACTGCAGATATTATGCTTTCTTCAGGCTCT[T>C]CTTTAAGCTCTGGTTTTACATTTATCTTGGAGGTTTTACTTGGTGGAATTTTGTTTTCAA-3'
Protein context (NP_116165.1, residues 2127-2147): SKINVKPELK[Glu2137Gly]EPEESIISAV